The following is an entry in ClinVar:

ClinVar aggregate classification (germline): Pathogenic (1 of 4 stars; one submission).

Conditions:
Spastic paraplegia. Identifiers: MedGen C0037772, HP:0001258.

Submission:

Labcorp Genetics (formerly Invitae), Labcorp
Classification: Pathogenic for Spastic paraplegia. Last evaluated: 2022-07-12. Review status: criteria provided, single submitter. Criteria: Invitae Variant Classification Sherloc (09022015). Collection method: clinical testing. Allele origin: germline.
Comment: This frameshift has been observed in individual(s) with Allan-Herndon-Dudley syndrome (Invitae). For these reasons, this variant has been classified as Pathogenic. This variant disrupts a region of the SLC16A2 protein in which other variant(s) (p.Pro538Glnfs*68) have been determined to be pathogenic (PMID: 15980113). This suggests that this is a clinically significant region of the protein, and that variants that disrupt it are likely to be disease-causing. This variant is not present in population databases (gnomAD no frequency). This sequence change results in a frameshift in the SLC16A2 gene (p.Pro522Glnfs*84). While this is not anticipated to result in nonsense mediated decay, it is expected to disrupt the last 18 amino acid(s) of the SLC16A2 protein and extend the protein by 65 additional amino acid residues.

Literature cited by the submitters: PubMed 15980113.

NM_006517.5(SLC16A2):c.1565del (p.Pro522fs)

Gene: SLC16A2 (solute carrier family 16 member 2; plus strand). Cytogenetic location: Xq13.2.
Variant type: Deletion.
Coding change: c.1565del on transcript NM_006517.5 (MANE Select); coding-DNA position 1565, one base deleted (C; older notation c.1565delC).
Protein change: p.Pro522fs; shifts the reading frame from proline 522.
Molecular consequence: frameshift variant.
Genome position (GRCh38, 1-based): chrX:74,531,498, C deleted; the last of 3 consecutive C bases (chrX:74,531,496-74,531,498); deleting any one gives the same sequence. VCF-style (leftmost placement, unchanged base first): chrX-74531495-AC-A. GRCh37 (hg19) VCF-style: chrX-73751330-AC-A.
Other names: short protein forms P522fs.
Identifiers: ClinVar variation 2010686 (VCV002010686.4), dbSNP rs2519810129, ClinGen allele CA2580101387.